The following is an entry in ClinVar:

ClinVar aggregate classification (germline): Uncertain significance (1 of 4 stars; one submission).

Allele frequency attached by ClinVar (database versions not stated): ExAC 0.00001; gnomAD exomes 0.00002.
gnomAD v4.1: 6 of 1,611,936 alleles (0.00037%); highest among the groups gnomAD compares: East Asian, 0.0089%; no homozygotes.

Submission:

GeneDx
Classification: Uncertain significance. Last evaluated: 2022-01-24. Review status: criteria provided, single submitter. Criteria: GeneDx Variant Classification Process June 2021. Collection method: clinical testing. Allele origin: germline. Affected: yes.
Comment: Not observed at significant frequency in large population cohorts (gnomAD); Missense variant in a gene in which most reported pathogenic variants are truncating/loss-of-function; Has not been previously published as pathogenic or benign to our knowledge

NM_001267550.2(TTN):c.50537T>G (p.Ile16846Ser)

Genes: TTN (titin; minus strand), TTN-AS1 (TTN antisense RNA 1; plus strand). Cytogenetic location: 2q31.2.
Variant type: single nucleotide variant.
Coding change: c.50537T>G on transcript NM_001267550.2 (MANE Select); coding-DNA position 50537, T replaced by G.
Protein change: p.Ile16846Ser; replaces isoleucine 16846 with serine.
Molecular consequence: missense variant.
Genome position (GRCh38, 1-based): chr2:178,611,772, A>C on the plus strand (T>G on the coding strand, the complement: TTN is on the minus strand). VCF-style: chr2-178611772-A-C. GRCh37 (hg19) VCF-style: chr2-179476499-A-C.
Other names: c.45614T>G, p.Ile15205Ser (NM_001256850.1); c.23342T>G, p.Ile7781Ser (NM_003319.4); c.42833T>G, p.Ile14278Ser (NM_133378.4); c.23717T>G, p.Ile7906Ser (NM_133432.3); c.23918T>G, p.Ile7973Ser (NM_133437.4); short protein forms I14278S, I15205S, I16846S, I7781S, I7906S, I7973S.
Identifiers: ClinVar variation 1698317 (VCV001698317.2), dbSNP rs753344121, ClinGen allele CA1994359.